The following is an entry in ClinVar:

ClinVar aggregate classification (germline): Uncertain significance (1 of 4 stars; one submission).

Submission:

CeGaT Center for Human Genetics Tuebingen
Classification: Uncertain significance. Last evaluated: 2025-02-01. Review status: criteria provided, single submitter. Criteria: CeGaT Center For Human Genetics Tuebingen Variant Classification Criteria Version 2. Collection method: clinical testing. Allele origin: germline. Affected: yes. Observed: 1 variant allele.
Comment: TENM1: PM2

NM_001163278.2(TENM1):c.3542C>T (p.Ala1181Val)

Gene: TENM1 (teneurin transmembrane protein 1; minus strand). Cytogenetic location: Xq25.
Variant type: single nucleotide variant.
Coding change: c.3542C>T on transcript NM_001163278.2 (MANE Select); coding-DNA position 3542, C replaced by T.
Protein change: p.Ala1181Val; replaces alanine 1181 with valine.
Molecular consequence: missense variant.
Genome position (GRCh38, 1-based): chrX:124,497,169, G>A on the plus strand (C>T on the coding strand, the complement: TENM1 is on the minus strand). VCF-style: chrX-124497169-G-A. GRCh37 (hg19) VCF-style: chrX-123631019-G-A.
Other names: c.3539C>T, p.Ala1180Val (NM_001163279.1); c.3542C>T, p.Ala1181Val (NM_014253.3); short protein forms A1180V, A1181V.
Identifiers: ClinVar variation 3772495 (VCV003772495.13).